The following is an entry in ClinVar:

NM_017950.4(CCDC40):c.394_395del (p.Ser131_Val132insTer)

Gene: CCDC40 (coiled-coil domain 40 molecular ruler complex subunit; plus strand). Cytogenetic location: 17q25.3.
Variant type: Microsatellite.
Coding change: c.394_395del on transcript NM_017950.4 (MANE Select); coding-DNA positions 394 to 395, 2 bases deleted (GT; older notation c.394_395delGT).
Protein change: p.Ser131_Val132insTer.
Molecular consequence: nonsense.
Genome position (GRCh38, 1-based): chr17:80,040,112-80,040,113, GT deleted; deleting any 2 consecutive bases within chr17:80,040,110-80,040,113 gives the same sequence; the c. name uses the placement nearest the transcript's 3' end. VCF-style (leftmost placement, unchanged base first): chr17-80040109-AGT-A. GRCh37 (hg19) VCF-style: chr17-78013908-AGT-A.
Other names: c.394_395del, p.Ser131_Val132insTer (NM_001243342.2, NM_001330508.2).
Identifiers: ClinVar variation 1452507 (VCV001452507.6), dbSNP rs2143577665, ClinGen allele CA2580612654.

ClinVar aggregate classification (germline): Pathogenic (1 of 4 stars; one submission).

Conditions:
Primary ciliary dyskinesia. Also called: Ciliary dyskinesia. Identifiers: Orphanet 244, MedGen C0008780, MONDO:0016575, HP:0012265.

Submission:

Labcorp Genetics (formerly Invitae), Labcorp
Classification: Pathogenic for Primary ciliary dyskinesia. Last evaluated: 2021-06-26. Review status: criteria provided, single submitter. Criteria: Invitae Variant Classification Sherloc (09022015). Collection method: clinical testing. Allele origin: germline.
Comment: This sequence change creates a premature translational stop signal (p.Val132*) in the CCDC40 gene. It is expected to result in an absent or disrupted protein product. Loss-of-function variants in CCDC40 are known to be pathogenic (PMID: 21131974, 22693285, 23255504). This variant is not present in population databases (ExAC no frequency). This variant has not been reported in the literature in individuals affected with CCDC40-related conditions. For these reasons, this variant has been classified as Pathogenic.

Literature cited by the submitters: PubMed 21131974; PubMed 22693285; PubMed 23255504.